The following is an entry in ClinVar:

ClinVar aggregate classification (germline): Uncertain significance (1 of 4 stars; one submission).

Conditions:
Cardiovascular phenotype. Identifiers: MedGen CN230736.

gnomAD v4.1: 2 of 1,614,098 alleles (0.00012%); highest among the groups gnomAD compares: South Asian, 0.0022%; no homozygotes.

Submission:

Ambry Genetics
Classification: Uncertain significance for Cardiovascular phenotype. Last evaluated: 2024-05-26. Review status: criteria provided, single submitter. Criteria: Ambry Variant Classification Scheme 2023. Collection method: clinical testing. Allele origin: germline.
Comment: The p.Q88R variant (also known as c.263A>G), located in coding exon 3 of the MYOZ2 gene, results from an A to G substitution at nucleotide position 263. The glutamine at codon 88 is replaced by arginine, an amino acid with highly similar properties. This amino acid position is conserved. In addition, this alteration is predicted to be tolerated by in silico analysis. Based on the available evidence, the clinical significance of this variant remains unclear.

NM_016599.5(MYOZ2):c.263A>G (p.Gln88Arg)

Gene: MYOZ2 (myozenin 2; plus strand). Cytogenetic location: 4q26.
Variant type: single nucleotide variant.
Coding change: c.263A>G on transcript NM_016599.5 (MANE Select); coding-DNA position 263, A replaced by G.
Protein change: p.Gln88Arg; replaces glutamine 88 with arginine.
Molecular consequence: missense variant.
Genome position (GRCh38, 1-based): chr4:119,158,038, A>G. VCF-style: chr4-119158038-A-G. GRCh37 (hg19) VCF-style: chr4-120079193-A-G.
Other names: short protein forms Q88R.
Identifiers: ClinVar variation 3298114 (VCV003298114.1).
Genomic context (GRCh38, chr4:119,158,038, plus strand): 5'-ACATTTTTGAGTTTTCAGCAGAGTTTACTTTTGATTAAATACAGCACAGTATTGCTATGC[A>G]GAATGGGAAAGTGGATGGAAGTAACTTGGAAGGTGGTTCGCAGCAAGCCCCCTTGACTCC-3'
Protein context (NP_057683.1, residues 78-98): RAQINHSIAM[Gln88Arg]NGKVDGSNLE